The following is an entry in ClinVar:

NM_145331.3(MAP3K7):c.1524G>A (p.Gln508=)

Gene: MAP3K7 (mitogen-activated protein kinase kinase kinase 7; minus strand). Cytogenetic location: 6q15.
Variant type: single nucleotide variant.
Coding change: c.1524G>A on transcript NM_145331.3 (MANE Select); coding-DNA position 1524, G replaced by A.
Protein change: p.Gln508=; no amino-acid change (glutamine 508 retained).
Molecular consequence: synonymous variant.
Genome position (GRCh38, 1-based): chr6:90,519,258, C>T on the plus strand (G>A on the coding strand, the complement: MAP3K7 is on the minus strand). VCF-style: chr6-90519258-C-T. GRCh37 (hg19) VCF-style: chr6-91228977-C-T.
Other names: c.1443G>A, p.Gln481= (NM_003188.4, NM_145333.3); c.1524G>A, p.Gln508= (NM_145332.3).
Identifiers: ClinVar variation 3664551 (VCV003664551.2).

ClinVar aggregate classification (germline): Uncertain significance (1 of 4 stars; one submission).

Submission:

Labcorp Genetics (formerly Invitae), Labcorp
Classification: Uncertain significance. Last evaluated: 2024-10-16. Review status: criteria provided, single submitter. Criteria: Invitae Variant Classification Sherloc (09022015). Collection method: clinical testing. Allele origin: germline.
Comment: This sequence change affects codon 508 of the MAP3K7 mRNA. It is a 'silent' change, meaning that it does not change the encoded amino acid sequence of the MAP3K7 protein. This variant also falls at the last nucleotide of exon 15, which is part of the consensus splice site for this exon. This variant is not present in population databases (gnomAD no frequency). This variant has not been reported in the literature in individuals affected with MAP3K7-related conditions. Variants that disrupt the consensus splice site are a relatively common cause of aberrant splicing (PMID: 17576681, 9536098). Algorithms developed to predict the effect of sequence changes on RNA splicing suggest that this variant may disrupt the consensus splice site. In summary, the available evidence is currently insufficient to determine the role of this variant in disease. Therefore, it has been classified as a Variant of Uncertain Significance.

Literature cited by the submitters: PubMed 17576681; PubMed 9536098.